The following is an entry in ClinVar:

ClinVar aggregate classification (germline): Likely benign. Review status: criteria provided, multiple submitters, no conflicts (2 of 4 stars). 2 submissions from 2 submitters: Likely benign (2). Last evaluated 2026-01-20.

Conditions:
BBS4-related disorder. Also called: BBS4-related condition.
Bardet-Biedl syndrome (BBS). Identifiers: Orphanet 110, MedGen C0752166, MONDO:0015229.

Allele frequency attached by ClinVar (database versions not stated): ExAC 0.00001; gnomAD exomes 0.00001.
gnomAD v4.1: 19 of 1,614,116 alleles (0.0012%); highest among the groups gnomAD compares: Non-Finnish European, 0.0016%; no homozygotes.

Submissions (2):

Labcorp Genetics (formerly Invitae), Labcorp
Classification: Likely benign for Bardet-Biedl syndrome. Last evaluated: 2026-01-20. Review status: criteria provided, single submitter. Criteria: Invitae Variant Classification Sherloc (09022015). Collection method: clinical testing. Allele origin: germline.

PreventionGenetics, part of Exact Sciences
Classification: Likely benign for BBS4-related condition. Last evaluated: 2025-06-13. Review status: criteria provided, single submitter. Criteria: ACMG Guidelines, 2015. Collection method: clinical testing. Allele origin: germline.
Comment: This variant is classified as likely benign based on ACMG/AMP sequence variant interpretation guidelines (Richards et al. 2015 PMID: 25741868, with internal and published modifications).

NM_033028.5(BBS4):c.864+9C>T

Gene: BBS4 (Bardet-Biedl syndrome 4; plus strand). Cytogenetic location: 15q24.1.
Variant type: single nucleotide variant.
Coding change: c.864+9C>T on transcript NM_033028.5 (MANE Select); 9 bases into the intron after coding-DNA position 864, C replaced by T.
Molecular consequence: intron variant.
Genome position (GRCh38, 1-based): chr15:72,731,466, C>T. VCF-style: chr15-72731466-C-T. GRCh37 (hg19) VCF-style: chr15-73023807-C-T.
Other names: c.864+9C>T (NM_033028.4); c.795+9C>T (NM_001320665.2); c.348+9C>T (NM_001252678.2).
Identifiers: ClinVar variation 1149403 (VCV001149403.10), dbSNP rs775416661, ClinGen allele CA7646811.